The following is an entry in ClinVar:

NM_000091.5(COL4A3):c.3964G>T (p.Gly1322Cys)

Genes: MFF-DT (MFF divergent transcript; minus strand), COL4A3 (collagen type IV alpha 3 chain; plus strand). Cytogenetic location: 2q36.3.
Variant type: single nucleotide variant.
Coding change: c.3964G>T on transcript NM_000091.5 (MANE Select); coding-DNA position 3964, G replaced by T.
Protein change: p.Gly1322Cys; replaces glycine 1322 with cysteine.
Molecular consequence: missense variant.
Genome position (GRCh38, 1-based): chr2:227,303,867, G>T. VCF-style: chr2-227303867-G-T. GRCh37 (hg19) VCF-style: chr2-228168583-G-T.
Other names: short protein forms G1322C.
Identifiers: ClinVar variation 3061902 (VCV003061902.2), dbSNP rs759739044, ClinGen allele CA2147412.

ClinVar aggregate classification (germline): Likely pathogenic. Review status: criteria provided, multiple submitters, no conflicts (2 of 4 stars). 2 submissions from 2 submitters: Likely pathogenic (2). Last evaluated 2023-07-26.

Conditions:
Alport syndrome. Also called: Hemorrhagic familial nephritis; Hemorrhagic hereditary nephritis; Congenital hereditary hematuria. Identifiers: Orphanet 63, MedGen C1567741, MONDO:0018965.
Autosomal dominant Alport syndrome (ATS3A). Also called: Alport syndrome dominant type; Renal failure and sensorineural hearing loss; ALPORT SYNDROME 3A, AUTOSOMAL DOMINANT. Identifiers: Orphanet 63, Orphanet 88918, MedGen C5882663, MONDO:0007086, OMIM 104200.

Allele frequency attached by ClinVar (database versions not stated): gnomAD exomes below 0.00001; ExAC 0.00001.
gnomAD v4.1: 1 of 1,614,050 alleles (0.000062%); highest among the groups gnomAD compares: Non-Finnish European, 0.000085%; no homozygotes.

Submissions (2):

MVZ Medizinische Genetik Mainz
Classification: Likely pathogenic for Autosomal dominant Alport syndrome. Last evaluated: 2023-07-26. Review status: criteria provided, single submitter. Criteria: UK Practice Guidelines For Variant Classification V4 01 2020. Collection method: clinical testing. Allele origin: germline. Inheritance: Autosomal dominant inheritance. Affected: yes. Observed: 1 variant allele.
Comment: PM1_STR,PM2_SUP,PP3,PP4

Victorian Clinical Genetics Services, Murdoch Childrens Research Institute
Classification: Likely pathogenic for Alport syndrome. Last evaluated: 2023-07-17. Review status: criteria provided, single submitter. Criteria: ACMG Guidelines, 2015. Collection method: clinical testing. Allele origin: germline. Affected: yes.
Comment: Based on the classification scheme VCGS_Germline_v1.3.4, this variant is classified as Likely pathogenic. Following criteria are met: 0103 - Dominant negative and loss of function are known mechanisms of disease in this gene and are associated with COL4A3-related nephropathy. Glycine changes that are part of a G-X-Y repeat in the triple helix of a collagen domain are known to have a dominant negative effect (PMID: 12028435). (I) 0108 - This gene is associated with both recessive (Alport syndrome 2 MIM#203780) and dominant disease (Alport syndrome 3 MIM#104200 and benign familial haematuria MIM#141200) (OMIM). (I) 0200 - Variant is predicted to result in a missense amino acid change from glycine to cysteine. (I) 0251 - This variant is heterozygous. (I) 0304 - Variant is present in gnomAD (v2) <0.01 (1 heterozygote, 0 homozygotes). (SP) 0501 - Missense variant consistently predicted to be damaging by multiple in silico tools or highly conserved with a major amino acid change. (SP) 0601 - Variant is located in the well-established functional Gly-X-Y motif within the collagen repeat domain, and affects a glycine residue (DECIPHER). (SP) 0710 - Another missense variant comparable to the one identified in this case has inconclusive previous evidence for pathogenicity. One paper downgraded the classification of p.(Gly1322Ser) from likely pathogenic to a VUS due to its frequency in their cohort, however it is not clear how many individuals in this cohort had this variant or what their phenotypes were (PMID: 31130284). (I) 0807 - This variant has no previous evidence of pathogenicity. (I) 0905 - No published segregation evidence has been identified for this variant. (I) 1007 - No published functional evidence has been identified for this variant. (I) 1208 - Inheritance information for this variant is not currently available in this individual. (I) Legend: (SP) - Supporting pathogenic, (I) - Information, (SB) - Supporting benign

Literature cited by the submitters: PubMed 12028435 (cited by Victorian Clinical Genetics Services, Murdoch Childrens Research Institute); PubMed 31130284 (cited by Victorian Clinical Genetics Services, Murdoch Childrens Research Institute).